The following is an entry in ClinVar:

ClinVar aggregate classification (germline): Likely pathogenic (1 of 4 stars; one submission).

Conditions:
Intellectual developmental disorder, autosomal dominant 65. Also called: MENTAL RETARDATION, AUTOSOMAL DOMINANT 65. Identifiers: MedGen C5543371, MONDO:0023657, OMIM 619320.

Submission:

Institute of Human Genetics, University of Leipzig Medical Center
Classification: Likely pathogenic for Intellectual developmental disorder, autosomal dominant 65. Last evaluated: 2023-06-05. Review status: criteria provided, single submitter. Criteria: ACMG Guidelines, 2015. Collection method: clinical testing. Allele origin: maternal. Inheritance: Autosomal dominant inheritance. Affected: yes.
Comment: Criteria applied: PVS1,PM2_SUP

NM_015015.3(KDM4B):c.1316-1G>A

Gene: KDM4B (lysine demethylase 4B; plus strand). Cytogenetic location: 19p13.3.
Variant type: single nucleotide variant.
Coding change: c.1316-1G>A on transcript NM_015015.3 (MANE Select); the canonical splice acceptor site of the intron before coding-DNA position 1316, G replaced by A.
Molecular consequence: splice acceptor variant.
Genome position (GRCh38, 1-based): chr19:5,131,075, G>A. VCF-style: chr19-5131075-G-A. GRCh37 (hg19) VCF-style: chr19-5131086-G-A.
Other names: c.1418-1G>A (NM_001411148.1).
Identifiers: ClinVar variation 2576583 (VCV002576583.2), dbSNP rs2512130849, ClinGen allele CA403498860.